The following is an entry in ClinVar:

ClinVar aggregate classification (germline): Uncertain significance. Review status: criteria provided, multiple submitters, no conflicts (2 of 4 stars). 2 submissions from 2 submitters: Uncertain significance (2). Last evaluated 2022-01-11.

Conditions:
Autosomal recessive multiple pterygium syndrome. Also called: MULTIPLE PTERYGIUM SYNDROME, ESCOBAR VARIANT; PTERYGIUM COLLI SYNDROME; PTERYGIUM SYNDROME; PTERYGIUM UNIVERSALE. Identifiers: Orphanet 2990, MedGen C0265261, MONDO:0009926, OMIM 265000.
Lethal multiple pterygium syndrome (LMPS). Identifiers: Orphanet 33108, MedGen C1854678, MONDO:0009668, OMIM 253290.

Allele frequency attached by ClinVar (database versions not stated): gnomAD exomes 0.00007; TOPMed 0.00010; gnomAD 0.00011 and 0.00012; ExAC 0.00012; ESP Exome Variant Server 0.00023.
gnomAD v4.1: 122 of 1,613,906 alleles (0.0076%); highest among the groups gnomAD compares: Middle Eastern, 0.066%; no homozygotes.

Submissions (2):

Women's Health and Genetics/Laboratory Corporation of America, LabCorp
Classification: Uncertain significance. Last evaluated: 2022-01-11. Review status: criteria provided, single submitter. Criteria: LabCorp Variant Classification Summary - May 2015. Collection method: clinical testing. Allele origin: germline.
Comment: Variant summary: CHRNG c.1421G>A (p.Arg474His) results in a non-conservative amino acid change in the encoded protein sequence. Five of five in-silico tools predict a damaging effect of the variant on protein function. The variant allele was found at a frequency of 6.8e-05 in 250812 control chromosomes (gnomAD, exomes dataset). This frequency is not higher than expected for a pathogenic variant in CHRNG causing CHRNG Related Lethal Multiple Pterygium Syndrome (0.0011), allowing no conclusion about variant significance. To our knowledge, no occurrence of c.1421G>A in individuals affected with CHRNG Related Lethal Multiple Pterygium Syndrome and no experimental evidence demonstrating its impact on protein function have been reported. No clinical diagnostic laboratories have submitted clinical-significance assessments for this variant to ClinVar after 2014. Based on the evidence outlined above, the variant was classified as uncertain significance.

Fulgent Genetics
Classification: Uncertain significance for Lethal multiple pterygium syndrome; Autosomal recessive multiple pterygium syndrome. Last evaluated: 2021-07-28. Review status: criteria provided, single submitter. Criteria: ACMG Guidelines, 2015. Collection method: clinical testing. Allele origin: unknown.

Literature cited by the submitters: PubMed 31354645 (cited by Women's Health and Genetics/Laboratory Corporation of America, LabCorp).

NM_005199.5(CHRNG):c.1421G>A (p.Arg474His)

Genes: CHRNG (cholinergic receptor nicotinic gamma subunit; plus strand), TIGD1 (tigger transposable element derived 1; minus strand). Cytogenetic location: 2q37.1.
Variant type: single nucleotide variant.
Coding change: c.1421G>A on transcript NM_005199.5 (MANE Select); coding-DNA position 1421, G replaced by A.
Protein change: p.Arg474His; replaces arginine 474 with histidine.
Molecular consequence: missense variant. On other transcripts: 3 prime UTR variant (1).
Genome position (GRCh38, 1-based): chr2:232,545,583, G>A. VCF-style: chr2-232545583-G-A. GRCh37 (hg19) VCF-style: chr2-233410293-G-A.
Other names: c.*2524C>T (NM_145702.4); short protein forms R474H.
Identifiers: ClinVar variation 1339682 (VCV001339682.2), dbSNP rs16829216, ClinGen allele CA2169062.
Genomic context (GRCh38, chr2:232,545,583, plus strand): 5'-CACCTGCCTCCCACCCTCAGGGGAATGAGGAGTGGTTCCTGGTGGGCCGAGTGCTGGACC[G>A]CGTCTGCTTCCTGGCCATGCTCTCGCTCTTCATCTGTGGCACAGCTGGCATCTTCCTCAT-3'
Protein context (NP_005190.4, residues 464-484): EWFLVGRVLD[Arg474His]VCFLAMLSLF